The following is an entry in ClinVar:

NM_001289125.3(IFNAR2):c.758T>C (p.Ile253Thr)

Genes: IFNAR2 (interferon alpha and beta receptor subunit 2; plus strand), IFNAR2-IL10RB (IFNAR2-IL10RB readthrough; plus strand). Cytogenetic location: 21q22.11.
Variant type: single nucleotide variant.
Coding change: c.758T>C on transcript NM_001289125.3 (MANE Select); coding-DNA position 758, T replaced by C.
Protein change: p.Ile253Thr; replaces isoleucine 253 with threonine.
Molecular consequence: missense variant. On other transcripts: intron variant (4).
Genome position (GRCh38, 1-based): chr21:33,260,645, T>C. VCF-style: chr21-33260645-T-C. GRCh37 (hg19) VCF-style: chr21-34632950-T-C.
Other names: c.758T>C, p.Ile253Thr (NM_000874.5, NM_001385055.1, NM_207584.3 and 1 more transcripts); c.710-7749T>C (NM_001414505.1); c.710-2148T>C (NM_001289128.2, NM_001289126.2); c.710-1916T>C (NM_001385054.1); short protein forms I253T.
Identifiers: ClinVar variation 3700884 (VCV003700884.2).

ClinVar aggregate classification (germline): Uncertain significance (1 of 4 stars; one submission).

gnomAD v4.1: 1 of 1,601,332 alleles (0.000062%); highest among the groups gnomAD compares: Non-Finnish European, 0.000085%; no homozygotes.

Submission:

Labcorp Genetics (formerly Invitae), Labcorp
Classification: Uncertain significance. Last evaluated: 2024-11-16. Review status: criteria provided, single submitter. Criteria: Invitae Variant Classification Sherloc (09022015). Collection method: clinical testing. Allele origin: germline.
Comment: This sequence change replaces isoleucine, which is neutral and non-polar, with threonine, which is neutral and polar, at codon 253 of the IFNAR2 protein (p.Ile253Thr). This variant is not present in population databases (gnomAD no frequency). This variant has not been reported in the literature in individuals affected with IFNAR2-related conditions. An algorithm developed to predict the effect of missense changes on protein structure and function (PolyPhen-2) suggests that this variant is likely to be tolerated. In summary, the available evidence is currently insufficient to determine the role of this variant in disease. Therefore, it has been classified as a Variant of Uncertain Significance.